The following is an entry in ClinVar:

NM_201384.3(PLEC):c.8279G>T (p.Gly2760Val)

Gene: PLEC (plectin; minus strand). Cytogenetic location: 8q24.3.
Variant type: single nucleotide variant.
Coding change: c.8279G>T on transcript NM_201384.3 (MANE Select); coding-DNA position 8279, G replaced by T.
Protein change: p.Gly2760Val; replaces glycine 2760 with valine.
Molecular consequence: missense variant.
Genome position (GRCh38, 1-based): chr8:143,921,542, C>A on the plus strand (G>T on the coding strand, the complement: PLEC is on the minus strand). VCF-style: chr8-143921542-C-A. GRCh37 (hg19) VCF-style: chr8-144995710-C-A.
Other names: c.8360G>T, p.Gly2787Val (NM_000445.5); c.8237G>T, p.Gly2746Val (NM_201378.4); c.8213G>T, p.Gly2738Val (NM_201379.3); c.8690G>T, p.Gly2897Val (NM_201380.4); c.8183G>T, p.Gly2728Val (NM_201381.3); c.8279G>T, p.Gly2760Val (NM_201382.4); c.8291G>T, p.Gly2764Val (NM_201383.3); short protein forms G2728V, G2738V, G2746V, G2760V, G2764V, G2787V, G2897V.
Identifiers: ClinVar variation 452409 (VCV000452409.2), dbSNP rs1554686155, ClinGen allele CA372516625.

ClinVar aggregate classification (germline): Uncertain significance (1 of 4 stars; one submission).

Allele frequency attached by ClinVar (database versions not stated): gnomAD exomes below 0.00001.
gnomAD v4.1: 1 of 1,612,520 alleles (0.000062%); highest among the groups gnomAD compares: Non-Finnish European, 0.000085%; no homozygotes.

Submission:

GeneDx
Classification: Uncertain significance. Last evaluated: 2018-09-26. Review status: criteria provided, single submitter. Criteria: GeneDx Variant Classification (06012015). Collection method: clinical testing. Allele origin: germline. Affected: yes.
Comment: The G2787V variant has not been published as a pathogenic variant, nor has it been reported as a benign variant to our knowledge. The G2787V variant is not observed in large population cohorts (Lek et al., 2016). This substitution occurs at a position that is conserved across species. In silico analysis predicts this variant is probably damaging to the protein structure/function. However, this variant is a conservative amino acid substitution, which is not likely to impact secondary protein structure as these residues share similar properties. Additionally, most reported pathogenic variants in the PLEC gene are truncating/loss-of-function.